The following is an entry in ClinVar:

NM_001999.4(FBN2):c.811A>C (p.Thr271Pro)

Gene: FBN2 (fibrillin 2; minus strand). Cytogenetic location: 5q23.3.
Variant type: single nucleotide variant.
Coding change: c.811A>C on transcript NM_001999.4 (MANE Select); coding-DNA position 811, A replaced by C.
Protein change: p.Thr271Pro; replaces threonine 271 with proline.
Molecular consequence: missense variant.
Genome position (GRCh38, 1-based): chr5:128,464,739, T>G on the plus strand (A>C on the coding strand, the complement: FBN2 is on the minus strand). VCF-style: chr5-128464739-T-G. GRCh37 (hg19) VCF-style: chr5-127800432-T-G.
Other names: short protein forms T271P.
Identifiers: ClinVar variation 213381 (VCV000213381.19), dbSNP rs201988564, ClinGen allele CA321924.
Genomic context (GRCh38, chr5:128,464,739, plus strand): 5'-AGTGGCAGGTCTGCGATGGTGTGCACAGGCAGACAGCTGACTCACCTTGGCAAGCTCCAG[T>G]GCGGATGTTGGGGATGAAACCCCGTCGGCAGGGCTGAGGCTGGGCTGGACACATCTCACA-3'
Protein context (NP_001990.2, residues 261-281): CRRGFIPNIR[Thr271Pro]GACQDVDECQ

ClinVar aggregate classification (germline): Uncertain significance. Review status: criteria provided, multiple submitters, no conflicts (2 of 4 stars). 7 submissions from 7 submitters: Uncertain significance (5). 2 of the submissions do not count toward it. Last evaluated 2026-05-12.

Conditions:
Congenital contractural arachnodactyly (CCA). Also called: BEALS SYNDROME; Beals-Hecht syndrome; Arthrogryposis, distal, type 9. Identifiers: Orphanet 115, MedGen C0220668, MONDO:0007363, OMIM 121050.
Familial thoracic aortic aneurysm and aortic dissection (TAAD). Also called: Thoracic aortic aneurysms and dissections. Identifiers: Orphanet 91387, MedGen C4707243, MONDO:0019625.

Allele frequency attached by ClinVar (database versions not stated): gnomAD 0.00002; gnomAD exomes 0.00002 and 0.00001; ESP Exome Variant Server 0.00008; TOPMed 0.00003.
gnomAD v4.1: 26 of 1,613,450 alleles (0.0016%); highest among the groups gnomAD compares: Non-Finnish European, 0.0021%; no homozygotes.

Submissions (7):

Women's Health and Genetics/Laboratory Corporation of America, LabCorp
Classification: Uncertain significance. Last evaluated: 2026-05-12. Review status: criteria provided, single submitter. Criteria: LabCorp Variant Classification Summary - May 2015. Collection method: clinical testing. Allele origin: germline.

Labcorp Genetics (formerly Invitae), Labcorp
Classification: Uncertain significance for Congenital contractural arachnodactyly. Last evaluated: 2025-06-30. Review status: criteria provided, single submitter. Criteria: Invitae Variant Classification Sherloc (09022015). Collection method: clinical testing. Allele origin: germline.
Comment: This sequence change replaces threonine, which is neutral and polar, with proline, which is neutral and non-polar, at codon 271 of the FBN2 protein (p.Thr271Pro). This variant is present in population databases (rs201988564, gnomAD 0.003%). This missense change has been observed in individuals with thoracic aortic aneurysm (internal data). ClinVar contains an entry for this variant (Variation ID: 213381). Invitae Evidence Modeling of protein sequence and biophysical properties (such as structural, functional, and spatial information, amino acid conservation, physicochemical variation, residue mobility, and thermodynamic stability) has been performed for this missense variant. However, the output from this modeling did not meet the statistical confidence thresholds required to predict the impact of this variant on FBN2 protein function. In summary, the available evidence is currently insufficient to determine the role of this variant in disease. Therefore, it has been classified as a Variant of Uncertain Significance.

GeneDx
Classification: Uncertain significance. Last evaluated: 2024-11-06. Review status: criteria provided, single submitter. Criteria: GeneDx Variant Classification Process June 2021. Collection method: clinical testing. Allele origin: germline. Affected: yes.
Comment: Has not been previously published as pathogenic or benign to our knowledge; Not observed at significant frequency in large population cohorts (gnomAD); In silico analysis supports that this missense variant has a deleterious effect on protein structure/function

AiLife Diagnostics
Classification: Uncertain significance. Last evaluated: 2022-01-25. Review status: criteria provided, single submitter. Criteria: ACMG Guidelines, 2015. Collection method: clinical testing. Allele origin: germline. Affected: yes. Observed: 2 variant alleles.

Ambry Genetics
Classification: Uncertain significance for Familial thoracic aortic aneurysm and aortic dissection. Last evaluated: 2020-01-10. Review status: criteria provided, single submitter. Criteria: Ambry Variant Classification Scheme 2023. Collection method: clinical testing. Allele origin: germline.
Comment: The p.T271P variant (also known as c.811A>C), located in coding exon 6 of the FBN2 gene, results from an A to C substitution at nucleotide position 811. The threonine at codon 271 is replaced by proline, an amino acid with highly similar properties, and is located in the cb EGF-like #01 domain. This amino acid position is highly conserved in available vertebrate species. In addition, this alteration is predicted to be deleterious by in silico analysis. Since supporting evidence is limited at this time, the clinical significance of this alteration remains unclear.

Clinical Genetics DNA and cytogenetics Diagnostics Lab, Erasmus MC, Erasmus Medical Center
Classification: Uncertain significance. Review status: no assertion criteria provided. Collection method: clinical testing. Allele origin: germline. Affected: yes. Study: VKGL Data-share Consensus. Not counted in ClinVar's aggregate classification.

Genome Diagnostics Laboratory, University Medical Center Utrecht
Classification: Uncertain significance. Review status: no assertion criteria provided. Collection method: clinical testing. Allele origin: germline. Affected: yes. Study: VKGL Data-share Consensus. Not counted in ClinVar's aggregate classification.